The following is an entry in ClinVar:

ClinVar aggregate classification (germline): Uncertain significance (1 of 4 stars; one submission).

gnomAD v4.1: 1 of 1,614,024 alleles (0.000062%); highest among the groups gnomAD compares: African/African-American, 0.0013%; no homozygotes.

Submission:

Labcorp Genetics (formerly Invitae), Labcorp
Classification: Uncertain significance. Last evaluated: 2026-01-07. Review status: criteria provided, single submitter. Criteria: Invitae Variant Classification Sherloc (09022015). Collection method: clinical testing. Allele origin: germline.
Comment: This sequence change replaces glutamic acid, which is acidic and polar, with valine, which is neutral and non-polar, at codon 1675 of the NIN protein (p.Glu1675Val). This variant is not present in population databases (gnomAD no frequency). This variant has not been reported in the literature in individuals affected with NIN-related conditions. An algorithm developed to predict the effect of missense changes on protein structure and function (PolyPhen-2) suggests that this variant is likely to be disruptive. In summary, the available evidence is currently insufficient to determine the role of this variant in disease. Therefore, it has been classified as a Variant of Uncertain Significance.

NM_020921.4(NIN):c.5024A>T (p.Glu1675Val)

Gene: NIN (ninein; minus strand). Cytogenetic location: 14q22.1.
Variant type: single nucleotide variant.
Coding change: c.5024A>T on transcript NM_020921.4 (MANE Select); coding-DNA position 5024, A replaced by T.
Protein change: p.Glu1675Val; replaces glutamic acid 1675 with valine.
Molecular consequence: missense variant.
Genome position (GRCh38, 1-based): chr14:50,748,032, T>A on the plus strand (A>T on the coding strand, the complement: NIN is on the minus strand). VCF-style: chr14-50748032-T-A. GRCh37 (hg19) VCF-style: chr14-51214750-T-A.
Other names: c.2885A>T, p.Glu962Val (NM_016350.5); c.5024A>T, p.Glu1675Val (NM_182944.3, NM_182946.2); short protein forms E962V, E1675V.
Identifiers: ClinVar variation 4734554 (VCV004734554.1).